The following is an entry in ClinVar:

ClinVar aggregate classification (germline): Conflicting classifications of pathogenicity. Review status: criteria provided, conflicting classifications (1 of 4 stars). 4 submissions from 4 submitters: Uncertain significance (3); Likely benign (1). Last evaluated 2025-02-13.

Conditions:
Hereditary pancreatitis (PCTT). Also called: Hereditary chronic pancreatitis; PRSS1-Related Hereditary Pancreatitis. Identifiers: Orphanet 676, MedGen C0238339, MONDO:0008185, OMIM 167800.
Tropical pancreatitis. Identifiers: Orphanet 103918, MedGen C1842402, MONDO:0011986, OMIM 608189.

Allele frequency attached by ClinVar (database versions not stated): ESP Exome Variant Server 0.00008; ExAC 0.00002; gnomAD exomes 0.00003 and 0.00007; gnomAD 0.00004 and 0.00005; TOPMed 0.00004.
gnomAD v4.1: 119 of 1,613,408 alleles (0.0074%); highest among the groups gnomAD compares: Middle Eastern, 0.049%; no homozygotes.

Submissions (5):

Ambry Genetics
Classification: Likely benign for Hereditary pancreatitis. Last evaluated: 2025-02-13. Review status: criteria provided, single submitter. Criteria: Ambry Variant Classification Scheme 2023. Collection method: clinical testing. Allele origin: germline.

Labcorp Genetics (formerly Invitae), Labcorp
Classification: Uncertain significance for Hereditary pancreatitis. Last evaluated: 2024-12-07. Review status: criteria provided, single submitter. Criteria: Invitae Variant Classification Sherloc (09022015). Collection method: clinical testing. Allele origin: germline.
Comment: This sequence change replaces isoleucine, which is neutral and non-polar, with methionine, which is neutral and non-polar, at codon 42 of the SPINK1 protein (p.Ile42Met). The frequency data for this variant in the population databases is considered unreliable, as metrics indicate poor data quality at this position in the gnomAD database. This missense change has been observed in individual(s) with acute pancreatitis (PMID: 25383785). ClinVar contains an entry for this variant (Variation ID: 818762). An algorithm developed to predict the effect of missense changes on protein structure and function (PolyPhen-2) suggests that this variant is likely to be disruptive. Experimental studies have shown that this missense change affects SPINK1 function (PMID: 33515547). In summary, the available evidence is currently insufficient to determine the role of this variant in disease. Therefore, it has been classified as a Variant of Uncertain Significance.

Fulgent Genetics
Classification: Uncertain significance for Hereditary pancreatitis; Tropical pancreatitis. Last evaluated: 2024-04-24. Review status: criteria provided, single submitter. Criteria: ACMG Guidelines, 2015. Collection method: clinical testing. Allele origin: germline.

Mayo Clinic Laboratories, Mayo Clinic
Classification: Uncertain significance. Last evaluated: 2022-05-24. Review status: criteria provided, single submitter. Criteria: ACMG Guidelines, 2015. Collection method: clinical testing. Allele origin: germline. Observed: 1 variant allele.

Dr. Peter K. Rogan Lab, Western University
No classification provided (evidence only). Condition: Cervical cancer. Review status: no classification provided. Collection method: in vitro. Allele origin: not applicable. Functional consequence: retained intron. Not counted in ClinVar's aggregate classification.

Literature cited by the submitters: PubMed 25383785 (cited by Ambry Genetics and Labcorp Genetics (formerly Invitae), Labcorp); PubMed 28502372 (cited by Ambry Genetics); PubMed 28536777 (cited by Ambry Genetics); PubMed 28994706 (cited by Ambry Genetics); PubMed 33515547 (cited by Labcorp Genetics (formerly Invitae), Labcorp).

NM_001379610.1(SPINK1):c.126A>G (p.Ile42Met)

Gene: SPINK1 (serine peptidase inhibitor Kazal type 1; minus strand). Cytogenetic location: 5q32.
Variant type: single nucleotide variant.
Coding change: c.126A>G on transcript NM_001379610.1 (MANE Select); coding-DNA position 126, A replaced by G.
Protein change: p.Ile42Met; replaces isoleucine 42 with methionine.
Molecular consequence: missense variant.
Genome position (GRCh38, 1-based): chr5:147,828,090, T>C on the plus strand (A>G on the coding strand, the complement: SPINK1 is on the minus strand). VCF-style: chr5-147828090-T-C. GRCh37 (hg19) VCF-style: chr5-147207653-T-C.
Other names: p.Ile42Met; c.126A>G, p.Ile42Met (NM_001354966.2, NM_003122.5); short protein forms I42M.
Identifiers: ClinVar variation 818762 (VCV000818762.15), dbSNP rs370266754, ClinGen allele CA3494788.
Genomic context (GRCh38, chr5:147,828,090, plus strand): 5'-AAAACATAACACGCATTCATTGGGATAAGTATTTCCATCAGTCCCACAGACAGGGTCATA[T>C]ATCTTGGTGCATCCATTAAGTTCATTGTAACATTTGGCCTAAAAATGGAATTAAACAGAA-3'
Protein context (NP_001366539.1, residues 32-52): CYNELNGCTK[Ile42Met]YDPVCGTDGN